The following is an entry in ClinVar:

ClinVar aggregate classification (germline): Uncertain significance. Review status: criteria provided, multiple submitters, no conflicts (2 of 4 stars). 3 submissions from 3 submitters: Uncertain significance (3). Last evaluated 2024-10-31.

Conditions:
Hereditary nonpolyposis colorectal neoplasms. Identifiers: MedGen C0009405, MeSH D003123.
Hereditary cancer-predisposing syndrome. Also called: Neoplastic Syndromes, Hereditary; Tumor predisposition; Hereditary Cancer Syndrome; Hereditary neoplastic syndrome. Identifiers: Orphanet 140162, MedGen C0027672, MeSH D009386, MONDO:0015356.

Allele frequency attached by ClinVar (database versions not stated): TOPMed below 0.00001; gnomAD 0.00001.
gnomAD v4.1: 1 of 1,614,074 alleles (0.000062%); highest among the groups gnomAD compares: Non-Finnish European, 0.000085%; no homozygotes.

Submissions (3):

Ambry Genetics
Classification: Uncertain significance for Hereditary cancer-predisposing syndrome. Last evaluated: 2024-10-31. Review status: criteria provided, single submitter. Criteria: Ambry Variant Classification Scheme 2023. Collection method: clinical testing. Allele origin: germline.
Comment: The p.V1130L variant (also known as c.3388G>C), located in coding exon 5 of the MSH6 gene, results from a G to C substitution at nucleotide position 3388. The valine at codon 1130 is replaced by leucine, an amino acid with highly similar properties. This amino acid position is highly conserved in available vertebrate species. In addition, the in silico prediction for this alteration is inconclusive. Based on the available evidence, the clinical significance of this variant remains unclear.

Color Diagnostics, LLC DBA Color Health
Classification: Uncertain significance for Hereditary cancer-predisposing syndrome. Last evaluated: 2024-03-06. Review status: criteria provided, single submitter. Criteria: ACMG Guidelines, 2015. Collection method: clinical testing. Allele origin: germline.
Comment: This missense variant replaces valine with leucine at codon 1130 of the MSH6 protein. Computational prediction tool suggests that this variant may not impact protein structure and function (internally defined REVEL score threshold <=0.5, PMID: 27666373). Splice site prediction tools suggest that this variant may not impact RNA splicing. To our knowledge, functional studies have not been performed for this variant. This variant has not been reported in individuals affected with hereditary cancer in the literature. This variant has not been identified in the general population by the Genome Aggregation Database (gnomAD). The available evidence is insufficient to determine the role of this variant in disease conclusively. Therefore, this variant is classified as a Variant of Uncertain Significance.

Labcorp Genetics (formerly Invitae), Labcorp
Classification: Uncertain significance for Hereditary nonpolyposis colorectal neoplasms. Last evaluated: 2022-02-19. Review status: criteria provided, single submitter. Criteria: Invitae Variant Classification Sherloc (09022015). Collection method: clinical testing. Allele origin: germline.
Comment: In summary, the available evidence is currently insufficient to determine the role of this variant in disease. Therefore, it has been classified as a Variant of Uncertain Significance. Advanced modeling of protein sequence and biophysical properties (such as structural, functional, and spatial information, amino acid conservation, physicochemical variation, residue mobility, and thermodynamic stability) performed at Invitae indicates that this missense variant is not expected to disrupt MSH6 protein function. ClinVar contains an entry for this variant (Variation ID: 925882). This variant has not been reported in the literature in individuals affected with MSH6-related conditions. This variant is not present in population databases (gnomAD no frequency). This sequence change replaces valine, which is neutral and non-polar, with leucine, which is neutral and non-polar, at codon 1130 of the MSH6 protein (p.Val1130Leu).

NM_000179.3(MSH6):c.3388G>C (p.Val1130Leu)

Gene: MSH6 (mutS homolog 6; plus strand). Cytogenetic location: 2p16.3.
Variant type: single nucleotide variant.
Coding change: c.3388G>C on transcript NM_000179.3 (MANE Select); coding-DNA position 3388, G replaced by C.
Protein change: p.Val1130Leu; replaces valine 1130 with leucine.
Molecular consequence: missense variant.
Genome position (GRCh38, 1-based): chr2:47,803,635, G>C. VCF-style: chr2-47803635-G-C. GRCh37 (hg19) VCF-style: chr2-48030774-G-C.
Other names: c.2998G>C, p.Val1000Leu (NM_001281492.2); c.2482G>C, p.Val828Leu (NM_001281493.2, NM_001281494.2); short protein forms V828L, V1000L, V1130L.
Identifiers: ClinVar variation 925882 (VCV000925882.12), dbSNP rs752164796, ClinGen allele CA346758840.